The following is an entry in ClinVar:

ClinVar aggregate classification (germline): Benign/Likely benign. Review status: criteria provided, multiple submitters, no conflicts (2 of 4 stars). 5 submissions from 5 submitters: Benign (2); Likely benign (3). Last evaluated 2025-06-23.

Conditions:
Tuberous sclerosis syndrome (TSC). Also called: Tuberous Sclerosis Complex; Tuberous sclerosis. Identifiers: Orphanet 805, MedGen C0041341, MONDO:0001734.
Hereditary cancer-predisposing syndrome. Also called: Hereditary Cancer Syndrome; Neoplastic Syndromes, Hereditary; Hereditary neoplastic syndrome; Tumor predisposition. Identifiers: Orphanet 140162, MedGen C0027672, MeSH D009386, MONDO:0015356.
Tuberous sclerosis 2 (TSC2). Identifiers: Orphanet 805, MedGen C1860707, MONDO:0013199, OMIM 613254.

Submissions (5):

Color Diagnostics, LLC DBA Color Health
Classification: Likely benign for Tuberous sclerosis syndrome. Last evaluated: 2025-06-23. Review status: criteria provided, single submitter. Criteria: ACMG Guidelines, 2015. Collection method: clinical testing. Allele origin: germline.

Myriad Genetics, Inc.
Classification: Benign for Tuberous sclerosis 2. Last evaluated: 2025-05-16. Review status: criteria provided, single submitter. Criteria: Myriad Autosomal Dominant, Autosomal Recessive and X-Linked Classification Criteria (2023). Collection method: clinical testing. Allele origin: unknown.
Comment: This variant is considered benign. This variant is a silent/synonymous amino acid change and it is not expected to impact splicing.

Labcorp Genetics (formerly Invitae), Labcorp
Classification: Likely benign for Tuberous sclerosis 2. Last evaluated: 2024-07-26. Review status: criteria provided, single submitter. Criteria: Invitae Variant Classification Sherloc (09022015). Collection method: clinical testing. Allele origin: germline.

Genome-Nilou Lab
Classification: Benign for Tuberous sclerosis 2. Last evaluated: 2021-11-07. Review status: criteria provided, single submitter. Criteria: ACMG Guidelines, 2015. Collection method: clinical testing. Allele origin: germline. Affected: no.

Ambry Genetics
Classification: Likely benign for Hereditary cancer-predisposing syndrome. Last evaluated: 2017-11-01. Review status: criteria provided, single submitter. Criteria: Ambry Variant Classification Scheme 2023. Collection method: clinical testing. Allele origin: germline.

NM_000548.5(TSC2):c.1935C>G (p.Val645=)

Gene: TSC2 (TSC complex subunit 2; plus strand). Cytogenetic location: 16p13.3.
Variant type: single nucleotide variant.
Coding change: c.1935C>G on transcript NM_000548.5 (MANE Select); coding-DNA position 1935, C replaced by G.
Protein change: p.Val645=; no amino-acid change (valine 645 retained).
Molecular consequence: synonymous variant.
Genome position (GRCh38, 1-based): chr16:2,071,605, C>G. VCF-style: chr16-2071605-C-G. GRCh37 (hg19) VCF-style: chr16-2121606-C-G.
Other names: c.1935C>G, p.Val645= (NM_001077183.3, NM_001114382.3, NM_001363528.2 and 3 more transcripts); c.1824C>G, p.Val608= (NM_001318827.2); c.1788C>G, p.Val596= (NM_001318829.2); c.1335C>G, p.Val445= (NM_001318831.2); c.1968C>G, p.Val656= (NM_001318832.2).
Identifiers: ClinVar variation 820375 (VCV000820375.16), dbSNP rs1596342693, ClinGen allele CA492950360.
Genomic context (GRCh38, chr16:2,071,605, plus strand): 5'-ACTGCACCGCCTGGGCCTGCCCAACAAGGATGGAGTCGTGCGGTTCAGCCCCTACTGCGT[C>G]TGCGACTACATGTACGCGGGACCTCGCCCACGGCCCATGAGGCTCAGGGCGTCAGAGGCG-3'
Protein context (NP_000539.2, residues 635-655): DGVVRFSPYC[Val645=]CDYMEPERGS